The following is an entry in ClinVar:

ClinVar aggregate classification (germline): Uncertain significance. Review status: criteria provided, multiple submitters, no conflicts (2 of 4 stars). 2 submissions from 2 submitters: Uncertain significance (2). Last evaluated 2024-03-02.

Conditions:
Early-onset Parkinson disease 20. Also called: PARKINSON DISEASE 20, AUTOSOMAL RECESSIVE EARLY-ONSET. Identifiers: Orphanet 391411, MedGen C3809824, MONDO:0014233, OMIM 615530.
Developmental and epileptic encephalopathy, 53. Also called: Epileptic encephalopathy, early infantile, 53. Identifiers: MedGen C4479313, MONDO:0033362, OMIM 617389.

Allele frequency attached by ClinVar (database versions not stated): TOPMed 0.00003; gnomAD 0.00005.
gnomAD v4.1: 32 of 1,611,182 alleles (0.002%); highest among the groups gnomAD compares: Middle Eastern, 0.016%; no homozygotes.

Submissions (2):

Blueprint Genetics
Classification: Uncertain significance. Last evaluated: 2024-03-02. Review status: criteria provided, single submitter. Criteria: ACMG Guidelines, 2015. Collection method: clinical testing. Allele origin: germline.

Labcorp Genetics (formerly Invitae), Labcorp
Classification: Uncertain significance for Developmental and epileptic encephalopathy, 53; Early-onset Parkinson disease 20. Last evaluated: 2022-04-24. Review status: criteria provided, single submitter. Criteria: Invitae Variant Classification Sherloc (09022015). Collection method: clinical testing. Allele origin: germline.
Comment: Algorithms developed to predict the effect of missense changes on protein structure and function are either unavailable or do not agree on the potential impact of this missense change (SIFT: "Tolerated"; PolyPhen-2: "Possibly Damaging"; Align-GVGD: "Class C0"). In summary, the available evidence is currently insufficient to determine the role of this variant in disease. Therefore, it has been classified as a Variant of Uncertain Significance. This variant has not been reported in the literature in individuals affected with SYNJ1-related conditions. This variant is present in population databases (no rsID available, gnomAD 0.007%). This sequence change replaces alanine, which is neutral and non-polar, with valine, which is neutral and non-polar, at codon 489 of the SYNJ1 protein (p.Ala489Val).

NM_203446.3(SYNJ1):c.1349C>T (p.Ala450Val)

Gene: SYNJ1 (synaptojanin 1; minus strand). Cytogenetic location: 21q22.11.
Variant type: single nucleotide variant.
Coding change: c.1349C>T on transcript NM_203446.3 (MANE Select); coding-DNA position 1349, C replaced by T.
Protein change: p.Ala450Val; replaces alanine 450 with valine.
Molecular consequence: missense variant.
Genome position (GRCh38, 1-based): chr21:32,681,500, G>A on the plus strand (C>T on the coding strand, the complement: SYNJ1 is on the minus strand). VCF-style: chr21-32681500-G-A. GRCh37 (hg19) VCF-style: chr21-34053810-G-A.
Other names: c.1349C>T, p.Ala450Val (NM_001160302.2, NM_001160306.2); c.1466C>T, p.Ala489Val (NM_003895.4); short protein forms A489V, A450V.
Identifiers: ClinVar variation 2073539 (VCV002073539.4), dbSNP rs1416896181, ClinGen allele CA410089661.